The following is an entry in ClinVar:

ClinVar aggregate classification (germline): Likely benign (1 of 4 stars; one submission).

Allele frequency attached by ClinVar (database versions not stated): 1000 Genomes Project 0.00140; 1000 Genomes Project 30x 0.00141; TOPMed 0.00293; ExAC 0.00375; gnomAD 0.00379; gnomAD exomes 0.00491.
gnomAD v4.1: 7,690 of 1,613,986 alleles (0.48%); highest among the groups gnomAD compares: Non-Finnish European, 0.52%; 22 homozygotes.

Submission:

CeGaT Center for Human Genetics Tuebingen
Classification: Likely benign. Last evaluated: 2023-03-01. Review status: criteria provided, single submitter. Criteria: CeGaT Center For Human Genetics Tuebingen Variant Classification Criteria Version 2. Collection method: clinical testing. Allele origin: germline. Affected: yes. Observed: 1 variant allele.
Comment: INSC: BP4, BP7, BS2

NM_001042536.3(INSC):c.1104C>A (p.Ala368=)

Gene: INSC (INSC spindle orientation adaptor protein; plus strand). Cytogenetic location: 11p15.2.
Variant type: single nucleotide variant.
Coding change: c.1104C>A on transcript NM_001042536.3 (MANE Select); coding-DNA position 1104, C replaced by A.
Protein change: p.Ala368=; no amino-acid change (alanine 368 retained).
Molecular consequence: synonymous variant.
Genome position (GRCh38, 1-based): chr11:15,225,762, C>A. VCF-style: chr11-15225762-C-A. GRCh37 (hg19) VCF-style: chr11-15247308-C-A.
Other names: c.1104C>A, p.Ala368= (NM_001278315.2, NM_001278313.2); c.978C>A, p.Ala326= (NM_001278316.2); c.1245C>A, p.Ala415= (NM_001031853.5); c.1209C>A, p.Ala403= (NM_001278314.2).
Identifiers: ClinVar variation 2641626 (VCV002641626.24), dbSNP rs185956954, ClinGen allele CA5897694.